The following is an entry in ClinVar:

ClinVar aggregate classification (germline): Uncertain significance (1 of 4 stars; one submission).

Conditions:
Alstrom syndrome (ALMS). Identifiers: Orphanet 64, MedGen C0268425, MONDO:0008763, OMIM 203800.

Submission:

Labcorp Genetics (formerly Invitae), Labcorp
Classification: Uncertain significance for Alstrom syndrome. Last evaluated: 2024-04-04. Review status: criteria provided, single submitter. Criteria: Invitae Variant Classification Sherloc (09022015). Collection method: clinical testing. Allele origin: germline.
Comment: This sequence change replaces phenylalanine, which is neutral and non-polar, with valine, which is neutral and non-polar, at codon 2658 of the ALMS1 protein (p.Phe2658Val). This variant is not present in population databases (gnomAD no frequency). This variant has not been reported in the literature in individuals affected with ALMS1-related conditions. Experimental studies and prediction algorithms are not available or were not evaluated, and the functional significance of this variant is currently unknown. In summary, the available evidence is currently insufficient to determine the role of this variant in disease. Therefore, it has been classified as a Variant of Uncertain Significance.

NM_001378454.1(ALMS1):c.7969T>G (p.Phe2657Val)

Gene: ALMS1 (ALMS1 centrosome and basal body associated protein; plus strand). Cytogenetic location: 2p13.1.
Variant type: single nucleotide variant.
Coding change: c.7969T>G on transcript NM_001378454.1 (MANE Select); coding-DNA position 7969, T replaced by G.
Protein change: p.Phe2657Val; replaces phenylalanine 2657 with valine.
Molecular consequence: missense variant.
Genome position (GRCh38, 1-based): chr2:73,489,928, T>G. VCF-style: chr2-73489928-T-G. GRCh37 (hg19) VCF-style: chr2-73717055-T-G.
Other names: c.7972T>G, p.Phe2658Val (NM_015120.4); short protein forms F2658V, F2657V.
Identifiers: ClinVar variation 3647975 (VCV003647975.2).